The following is an entry in ClinVar:

ClinVar aggregate classification (germline): Uncertain significance. Review status: criteria provided, multiple submitters, no conflicts (2 of 4 stars). 3 submissions from 3 submitters: Uncertain significance (3). Last evaluated 2025-08-12.

Conditions:
Cardiovascular phenotype. Identifiers: MedGen CN230736.
Arrhythmogenic right ventricular cardiomyopathy (ARVD). Also called: Cardiomyopathy, ARVC; Arrhythmogenic right ventricular dysplasia; Arrhythmogenic cardiomyopathy; Arrhythmogenic Right Ventricular Cardiomyopathy (ARVC). Identifiers: Orphanet 247, MedGen C0349788, MeSH D019571, MONDO:0016587. Disease mechanism: loss of function. Inheritance: Various modes of inheritance.
Arrhythmogenic right ventricular dysplasia 10. Also called: Arrhythmogenic Right Ventricular Dysplasia/Cardiomyopathy10; ARRHYTHMOGENIC RIGHT VENTRICULAR DYSPLASIA, FAMILIAL, 10; Arrhythmogenic right ventricular dysplasia/cardiomyopathy, type 10. Identifiers: MedGen C1857777, MONDO:0012434, OMIM 610193.

gnomAD v4.1: 3 of 1,614,182 alleles (0.00019%); highest among the groups gnomAD compares: Non-Finnish European, 0.00025%; no homozygotes.

Submissions (3):

Ambry Genetics
Classification: Uncertain significance for Cardiovascular phenotype. Last evaluated: 2025-08-12. Review status: criteria provided, single submitter. Criteria: Ambry Variant Classification Scheme 2023. Collection method: clinical testing. Allele origin: germline.

All of Us Research Program, National Institutes of Health
Classification: Uncertain significance for Arrhythmogenic right ventricular cardiomyopathy. Last evaluated: 2023-03-07. Review status: criteria provided, single submitter. Criteria: ACMG Guidelines, 2015. Collection method: clinical testing. Allele origin: germline. Inheritance: Autosomal dominant inheritance. Observed: 1 variant allele, 1 heterozygote.
Comment: This missense variant replaces aspartic acid with histidine at codon 519 of the DSG2 protein. Computational prediction suggests that this variant may have deleterious impact on protein structure and function (internally defined REVEL score threshold >= 0.7, PMID: 27666373). To our knowledge, functional studies have not been reported for this variant. This variant has not been reported in individuals affected with DSG2-related disorders in the literature. This variant has not been identified in the general population by the Genome Aggregation Database (gnomAD). The available evidence is insufficient to determine the role of this variant in disease conclusively. Therefore, this variant is classified as a Variant of Uncertain Significance.

This study involves interpretation of variants in research participants for the purpose of population health screening. Participant phenotype was not available at the time of variant classification. Additional details can be found in publication PMID: 35346344, PMCID: PMC8962531

Labcorp Genetics (formerly Invitae), Labcorp
Classification: Uncertain significance for Arrhythmogenic right ventricular dysplasia 10. Last evaluated: 2022-07-25. Review status: criteria provided, single submitter. Criteria: Invitae Variant Classification Sherloc (09022015). Collection method: clinical testing. Allele origin: germline.
Comment: In summary, the available evidence is currently insufficient to determine the role of this variant in disease. Therefore, it has been classified as a Variant of Uncertain Significance. Algorithms developed to predict the effect of missense changes on protein structure and function (SIFT, PolyPhen-2, Align-GVGD) all suggest that this variant is likely to be disruptive. ClinVar contains an entry for this variant (Variation ID: 840969). This variant has not been reported in the literature in individuals affected with DSG2-related conditions. This variant is not present in population databases (gnomAD no frequency). This sequence change replaces aspartic acid, which is acidic and polar, with histidine, which is basic and polar, at codon 519 of the DSG2 protein (p.Asp519His).

NM_001943.5(DSG2):c.1555G>C (p.Asp519His)

Gene: DSG2 (desmoglein 2; plus strand). Cytogenetic location: 18q12.1.
Variant type: single nucleotide variant.
Coding change: c.1555G>C on transcript NM_001943.5 (MANE Select); coding-DNA position 1555, G replaced by C.
Protein change: p.Asp519His; replaces aspartic acid 519 with histidine.
Molecular consequence: missense variant.
Genome position (GRCh38, 1-based): chr18:31,536,333, G>C. VCF-style: chr18-31536333-G-C. GRCh37 (hg19) VCF-style: chr18-29116296-G-C.
Other names: short protein forms D519H.
Identifiers: ClinVar variation 840969 (VCV000840969.11), dbSNP rs778119035, ClinGen allele CA402141782.